The following is an entry in ClinVar:

NM_002449.5(MSX2):c.557T>A (p.Val186Asp)

Gene: MSX2 (msh homeobox 2; plus strand). Cytogenetic location: 5q35.2.
Variant type: single nucleotide variant.
Coding change: c.557T>A on transcript NM_002449.5 (MANE Select); coding-DNA position 557, T replaced by A.
Protein change: p.Val186Asp; replaces valine 186 with aspartic acid.
Molecular consequence: missense variant. On other transcripts: 3 prime UTR variant (1).
Genome position (GRCh38, 1-based): chr5:174,729,336, T>A. VCF-style: chr5-174729336-T-A. GRCh37 (hg19) VCF-style: chr5-174156339-T-A.
Other names: c.*181T>A (NM_001363626.2); short protein forms V186D.
Identifiers: ClinVar variation 4995972 (VCV004995972.1).
Genomic context (GRCh38, chr5:174,729,336, plus strand): 5'-ACCTCTCCATTGCAGAGCGTGCAGAGTTCTCCAGCTCTCTGAACCTCACAGAGACCCAGG[T>A]CAAAATCTGGTTCCAGAACCGAAGGGCCAAGGCGAAAAGACTGCAGGAGGCAGAACTGGA-3'
Protein context (NP_002440.2, residues 176-196): SSSLNLTETQ[Val186Asp]KIWFQNRRAK

ClinVar aggregate classification (germline): Uncertain significance (1 of 4 stars; one submission).

Conditions:
MSX2-related disorder. Also called: MSX2-related condition.

gnomAD v4.1: 1 of 1,613,978 alleles (0.000062%); highest among the groups gnomAD compares: Admixed American, 0.0017%; no homozygotes.

Submission:

PreventionGenetics, part of Exact Sciences
Classification: Uncertain significance for MSX2-related condition. Last evaluated: 2026-08-10. Review status: criteria provided, single submitter. Criteria: ACMG Guidelines, 2015. Collection method: clinical testing. Allele origin: germline.
Comment: The MSX2 c.557T>A variant is predicted to result in the amino acid substitution p.Val186Asp. To our knowledge, this variant has not been reported in the literature or in a large population database (gnomAD), indicating this variant is rare. At this time, the clinical significance of this variant is uncertain due to the absence of conclusive functional and genetic evidence.